The following is an entry in ClinVar:

NM_003803.4(MYOM1):c.548A>G (p.Gln183Arg)

Gene: MYOM1 (myomesin 1; minus strand). Cytogenetic location: 18p11.31.
Variant type: single nucleotide variant.
Coding change: c.548A>G on transcript NM_003803.4 (MANE Select); coding-DNA position 548, A replaced by G.
Protein change: p.Gln183Arg; replaces glutamine 183 with arginine.
Molecular consequence: missense variant.
Genome position (GRCh38, 1-based): chr18:3,188,971, T>C on the plus strand (A>G on the coding strand, the complement: MYOM1 is on the minus strand). VCF-style: chr18-3188971-T-C. GRCh37 (hg19) VCF-style: chr18-3188969-T-C.
Other names: c.548A>G, p.Gln183Arg (NM_019856.2); short protein forms Q183R.
Identifiers: ClinVar variation 1052583 (VCV001052583.13), dbSNP rs1032691291, ClinGen allele CA295517726.
Genomic context (GRCh38, chr18:3,188,971, plus strand): 5'-GTGGACTGCTTGGATGCCGTGGACTGCTTAGATGCCGTGGTCTGCTTGGATGCCGTGGAC[T>C]GTTTAGATGTTGTGATTCCTTCCTCACTAGCAAGAAGATTCCTCTGGGCTATATAAGCAG-3'
Protein context (NP_003794.3, residues 173-193): ASEEGITTSK[Gln183Arg]STASKQTTAS

ClinVar aggregate classification (germline): Uncertain significance. Review status: criteria provided, multiple submitters, no conflicts (2 of 4 stars). 2 submissions from 2 submitters: Uncertain significance (2). Last evaluated 2025-10-29.

Conditions:
Hypertrophic cardiomyopathy. Also called: HYPERTROPHIC MYOCARDIOPATHY. Identifiers: Orphanet 217569, MedGen C0007194, MeSH D002312, MONDO:0005045, HP:0001639.

Allele frequency attached by ClinVar (database versions not stated): gnomAD exomes below 0.00001; TOPMed below 0.00001.
gnomAD v4.1: 5 of 1,613,312 alleles (0.00031%); highest among the groups gnomAD compares: Non-Finnish European, 0.00042%; no homozygotes.

Submissions (2):

Ambry Genetics
Classification: Uncertain significance. Last evaluated: 2025-10-29. Review status: criteria provided, single submitter. Criteria: Ambry Variant Classification Scheme 2023. Collection method: clinical testing. Allele origin: germline.

Labcorp Genetics (formerly Invitae), Labcorp
Classification: Uncertain significance for Hypertrophic cardiomyopathy. Last evaluated: 2025-04-26. Review status: criteria provided, single submitter. Criteria: Invitae Variant Classification Sherloc (09022015). Collection method: clinical testing. Allele origin: germline.
Comment: This sequence change replaces glutamine, which is neutral and polar, with arginine, which is basic and polar, at codon 183 of the MYOM1 protein (p.Gln183Arg). This variant is not present in population databases (gnomAD no frequency). This variant has not been reported in the literature in individuals affected with MYOM1-related conditions. ClinVar contains an entry for this variant (Variation ID: 1052583). An algorithm developed to predict the effect of missense changes on protein structure and function (PolyPhen-2) suggests that this variant is likely to be tolerated. In summary, the available evidence is currently insufficient to determine the role of this variant in disease. Therefore, it has been classified as a Variant of Uncertain Significance.